The following is an entry in ClinVar:

NM_022114.4(PRDM16):c.3569C>T (p.Pro1190Leu)

Gene: PRDM16 (PR/SET domain 16; plus strand). Cytogenetic location: 1p36.32.
Variant type: single nucleotide variant.
Coding change: c.3569C>T on transcript NM_022114.4 (MANE Select); coding-DNA position 3569, C replaced by T.
Protein change: p.Pro1190Leu; replaces proline 1190 with leucine.
Molecular consequence: missense variant.
Genome position (GRCh38, 1-based): chr1:3,432,013, C>T. VCF-style: chr1-3432013-C-T. GRCh37 (hg19) VCF-style: chr1-3348577-C-T.
Other names: c.3569C>T, p.Pro1190Leu (NM_199454.3); short protein forms P1190L.
Identifiers: ClinVar variation 1315144 (VCV001315144.6), dbSNP rs755588843, ClinGen allele CA544914.

ClinVar aggregate classification (germline): Uncertain significance. Review status: criteria provided, multiple submitters, no conflicts (2 of 4 stars). 3 submissions from 3 submitters: Uncertain significance (3). Last evaluated 2025-12-08.

Conditions:
Inborn genetic diseases. Identifiers: MedGen C0950123, MeSH D030342.
Left ventricular noncompaction 8 (LVNC8). Identifiers: Orphanet 154, Orphanet 54260, MedGen C3809288, MONDO:0014152, OMIM 615373.

Allele frequency attached by ClinVar (database versions not stated): ExAC 0.00001; gnomAD 0.00001; gnomAD exomes 0.00001; TOPMed 0.00002.
gnomAD v4.1: 14 of 1,613,938 alleles (0.00087%); highest among the groups gnomAD compares: African/African-American, 0.011%; no homozygotes.

Submissions (3):

Ambry Genetics
Classification: Uncertain significance for Inborn genetic diseases. Last evaluated: 2025-12-08. Review status: criteria provided, single submitter. Criteria: Ambry Variant Classification Scheme 2023. Collection method: clinical testing. Allele origin: germline.

Labcorp Genetics (formerly Invitae), Labcorp
Classification: Uncertain significance for Left ventricular noncompaction 8. Last evaluated: 2023-03-03. Review status: criteria provided, single submitter. Criteria: Invitae Variant Classification Sherloc (09022015). Collection method: clinical testing. Allele origin: germline.
Comment: This variant has not been reported in the literature in individuals affected with PRDM16-related conditions. In summary, the available evidence is currently insufficient to determine the role of this variant in disease. Therefore, it has been classified as a Variant of Uncertain Significance. An algorithm developed to predict the effect of missense changes on protein structure and function (PolyPhen-2) suggests that this variant is likely to be disruptive. ClinVar contains an entry for this variant (Variation ID: 1315144). This variant is present in population databases (rs755588843, gnomAD 0.02%). This sequence change replaces proline, which is neutral and non-polar, with leucine, which is neutral and non-polar, at codon 1190 of the PRDM16 protein (p.Pro1190Leu).

GeneDx
Classification: Uncertain significance. Last evaluated: 2020-02-05. Review status: criteria provided, single submitter. Criteria: GeneDx Variant Classification Process June 2021. Collection method: clinical testing. Allele origin: germline. Affected: yes.
Comment: Has not been previously published as pathogenic or benign to our knowledge; Not observed at a significant frequency in large population cohorts (Lek et al., 2016); In silico analysis supports that this missense variant has a deleterious effect on protein structure/function